The following is an entry in ClinVar:

ClinVar aggregate classification (germline): Uncertain significance (1 of 4 stars; one submission).

Submission:

Women's Health and Genetics/Laboratory Corporation of America, LabCorp
Classification: Uncertain significance. Last evaluated: 2022-10-15. Review status: criteria provided, single submitter. Criteria: LabCorp Variant Classification Summary - May 2015. Collection method: clinical testing. Allele origin: germline.
Comment: Variant summary: DHCR7 c.842T>C (p.Val281Ala) results in a non-conservative amino acid change in the encoded protein sequence. Five of five in-silico tools predict a damaging effect of the variant on protein function. The variant was absent in 250306 control chromosomes (gnomAD). The available data on variant occurrences in the general population are insufficient to allow any conclusion about variant significance. To our knowledge, no occurrence of c.842T>C in individuals affected with Smith-Lemli-Opitz Syndrome and no experimental evidence demonstrating its impact on protein function have been reported. No clinical diagnostic laboratories have submitted clinical-significance assessments for this variant to ClinVar after 2014. Based on the evidence outlined above, the variant was classified as uncertain significance.

NM_001360.3(DHCR7):c.842T>C (p.Val281Ala)

Gene: DHCR7 (7-dehydrocholesterol reductase; minus strand). Cytogenetic location: 11q13.4.
Variant type: single nucleotide variant.
Coding change: c.842T>C on transcript NM_001360.3 (MANE Select); coding-DNA position 842, T replaced by C.
Protein change: p.Val281Ala; replaces valine 281 with alanine.
Molecular consequence: missense variant.
Genome position (GRCh38, 1-based): chr11:71,437,933, A>G on the plus strand (T>C on the coding strand, the complement: DHCR7 is on the minus strand). VCF-style: chr11-71437933-A-G. GRCh37 (hg19) VCF-style: chr11-71148979-A-G.
Other names: c.842T>C, p.Val281Ala (NM_001163817.2); short protein forms V281A.
Identifiers: ClinVar variation 1723322 (VCV001723322.1), dbSNP rs2539217130, ClinGen allele CA381703152.